The following is an entry in ClinVar:

ClinVar aggregate classification (germline): Pathogenic (1 of 4 stars; one submission).

Conditions:
Epilepsy, X-linked 1, with variable learning disabilities and behavior disorders. Also called: X-linked epilepsy-learning disabilities-behavior disorders syndrome. Identifiers: Orphanet 85294, MedGen C5774177, MONDO:0010339, OMIM 300491.

Submission:

Labcorp Genetics (formerly Invitae), Labcorp
Classification: Pathogenic for Epilepsy, X-linked 1, with variable learning disabilities and behavior disorders. Last evaluated: 2023-02-04. Review status: criteria provided, single submitter. Criteria: Invitae Variant Classification Sherloc (09022015). Collection method: clinical testing. Allele origin: germline.
Comment: For these reasons, this variant has been classified as Pathogenic. This variant has not been reported in the literature in individuals affected with SYN1-related conditions. The frequency data for this variant in the population databases is considered unreliable, as metrics indicate insufficient coverage at this position in the gnomAD database. This sequence change creates a premature translational stop signal (p.Gln532*) in the SYN1 gene. It is expected to result in an absent or disrupted protein product. Loss-of-function variants in SYN1 are known to be pathogenic (PMID: 14985377, 21441247).

Literature cited by the submitters: PubMed 14985377; PubMed 21441247.

NM_006950.3(SYN1):c.1594C>T (p.Gln532Ter)

Gene: SYN1 (synapsin I; minus strand). Cytogenetic location: Xp11.3.
Variant type: single nucleotide variant.
Coding change: c.1594C>T on transcript NM_006950.3 (MANE Select); coding-DNA position 1594, C replaced by T.
Protein change: p.Gln532Ter; replaces glutamine 532 with a stop codon.
Molecular consequence: nonsense.
Genome position (GRCh38, 1-based): chrX:47,574,390, G>A on the plus strand (C>T on the coding strand, the complement: SYN1 is on the minus strand). VCF-style: chrX-47574390-G-A. GRCh37 (hg19) VCF-style: chrX-47433789-G-A.
Other names: c.1594C>T, p.Gln532Ter (NM_133499.2); short protein forms Q532*.
Identifiers: ClinVar variation 2834690 (VCV002834690.3), dbSNP rs2519684932, ClinGen allele CA412823162.